The following is an entry in ClinVar:

ClinVar aggregate classification (germline): Benign/Likely benign. Review status: criteria provided, multiple submitters, no conflicts (2 of 4 stars). 3 submissions from 3 submitters: Benign (1); Likely benign (2). Last evaluated 2025-03-03.

Conditions:
Pheochromocytoma/paraganglioma syndrome 5. Also called: Paragangliomas 5; SDHA-Related Hereditary Paraganglioma-Pheochromocytoma Syndrome. Identifiers: Orphanet 29072, MedGen C3279992, MONDO:0013602, OMIM 614165.
Mitochondrial complex II deficiency, nuclear type 1. Also called: SUCCINATE CoQ REDUCTASE DEFICIENCY. Identifiers: Orphanet 3208, MedGen C5700310, MONDO:0100294, OMIM 252011.
Hereditary cancer-predisposing syndrome. Also called: Tumor predisposition; Hereditary neoplastic syndrome; Neoplastic Syndromes, Hereditary; Hereditary Cancer Syndrome. Identifiers: Orphanet 140162, MedGen C0027672, MeSH D009386, MONDO:0015356.

Submissions (3):

Myriad Genetics, Inc.
Classification: Benign for Pheochromocytoma/paraganglioma syndrome 5. Last evaluated: 2025-03-03. Review status: criteria provided, single submitter. Criteria: Myriad Autosomal Dominant, Autosomal Recessive and X-Linked Classification Criteria (2023). Collection method: clinical testing. Allele origin: unknown.
Comment: This variant is considered benign. This variant is a silent/synonymous amino acid change and it is not expected to impact splicing.

Ambry Genetics
Classification: Likely benign for Hereditary cancer-predisposing syndrome. Last evaluated: 2023-03-17. Review status: criteria provided, single submitter. Criteria: Ambry Variant Classification Scheme 2023. Collection method: clinical testing. Allele origin: germline.

Labcorp Genetics (formerly Invitae), Labcorp
Classification: Likely benign for Pheochromocytoma/paraganglioma syndrome 5; Mitochondrial complex II deficiency, nuclear type 1. Last evaluated: 2022-07-19. Review status: criteria provided, single submitter. Criteria: Invitae Variant Classification Sherloc (09022015). Collection method: clinical testing. Allele origin: germline.

NM_004168.4(SDHA):c.663C>T (p.Ala221=)

Gene: SDHA (succinate dehydrogenase complex flavoprotein subunit A; plus strand). Cytogenetic location: 5p15.33.
Variant type: single nucleotide variant.
Coding change: c.663C>T on transcript NM_004168.4 (MANE Select); coding-DNA position 663, C replaced by T.
Protein change: p.Ala221=; no amino-acid change (alanine 221 retained).
Molecular consequence: synonymous variant.
Genome position (GRCh38, 1-based): chr5:228,226, C>T. VCF-style: chr5-228226-C-T. GRCh37 (hg19) VCF-style: chr5-228341-C-T.
Other names: c.519C>T, p.Ala173= (NM_001294332.2); c.663C>T, p.Ala221= (NM_001330758.2); c.663C>T (NM_004168.2).
Identifiers: ClinVar variation 759330 (VCV000759330.12), dbSNP rs1579391069, ClinGen allele CA442691296.